The following is an entry in ClinVar:

NM_003737.4(DCHS1):c.9882G>A (p.Thr3294=)

Gene: DCHS1 (dachsous cadherin-related 1; minus strand). Cytogenetic location: 11p15.4.
Variant type: single nucleotide variant.
Coding change: c.9882G>A on transcript NM_003737.4 (MANE Select); coding-DNA position 9882, G replaced by A.
Protein change: p.Thr3294=; no amino-acid change (threonine 3294 retained).
Molecular consequence: synonymous variant.
Genome position (GRCh38, 1-based): chr11:6,621,794, C>T on the plus strand (G>A on the coding strand, the complement: DCHS1 is on the minus strand). VCF-style: chr11-6621794-C-T. GRCh37 (hg19) VCF-style: chr11-6643025-C-T.
Other names: c.9882G>A (NM_003737.3).
Identifiers: ClinVar variation 1923330 (VCV001923330.7), dbSNP rs763186035, ClinGen allele CA472784212.

ClinVar aggregate classification (germline): Likely benign. Review status: criteria provided, single submitter (1 of 4 stars). 2 submissions from 2 submitters: Likely benign (1). 1 of the submissions does not count toward it. Last evaluated 2024-06-03.

Conditions:
DCHS1-related disorder. Also called: DCHS1-related condition.

Allele frequency attached by ClinVar (database versions not stated): gnomAD 0.00002; TOPMed 0.00004.
gnomAD v4.1: 38 of 1,590,062 alleles (0.0024%); highest among the groups gnomAD compares: African/African-American, 0.0067%; no homozygotes.

Submissions (2):

Labcorp Genetics (formerly Invitae), Labcorp
Classification: Likely benign. Last evaluated: 2024-06-03. Review status: criteria provided, single submitter. Criteria: Invitae Variant Classification Sherloc (09022015). Collection method: clinical testing. Allele origin: germline.

PreventionGenetics, part of Exact Sciences
Classification: Likely benign for DCHS1-related condition. Last evaluated: 2019-02-22. Review status: no assertion criteria provided. Collection method: clinical testing. Allele origin: germline. Not counted in ClinVar's aggregate classification.
Comment: This variant is classified as likely benign based on ACMG/AMP sequence variant interpretation guidelines (Richards et al. 2015 PMID: 25741868, with internal and published modifications).